The following is an entry in ClinVar:

NM_000548.5(TSC2):c.3534G>A (p.Gln1178=)

Gene: TSC2 (TSC complex subunit 2; plus strand). Cytogenetic location: 16p13.3.
Variant type: single nucleotide variant.
Coding change: c.3534G>A on transcript NM_000548.5 (MANE Select); coding-DNA position 3534, G replaced by A.
Protein change: p.Gln1178=; no amino-acid change (glutamine 1178 retained).
Molecular consequence: synonymous variant.
Genome position (GRCh38, 1-based): chr16:2,080,301, G>A. VCF-style: chr16-2080301-G-A. GRCh37 (hg19) VCF-style: chr16-2130302-G-A.
Other names: c.3402G>A, p.Gln1134= (NM_001077183.3, NM_001370404.1); c.3534G>A, p.Gln1178= (NM_001114382.3); c.3294G>A, p.Gln1098= (NM_001318827.2); c.3258G>A, p.Gln1086= (NM_001318829.2); c.2802G>A, p.Gln934= (NM_001318831.2); c.3435G>A, p.Gln1145= (NM_001318832.2); c.3405G>A, p.Gln1135= (NM_001363528.2, NM_001370405.1, NM_021055.3).
Identifiers: ClinVar variation 238020 (VCV000238020.21), dbSNP rs201305783, ClinGen allele CA047326.

ClinVar aggregate classification (germline): Benign/Likely benign. Review status: criteria provided, multiple submitters, no conflicts (2 of 4 stars). 7 submissions from 7 submitters: Benign (2); Likely benign (5). Last evaluated 2025-10-11.

Conditions:
Tuberous sclerosis syndrome (TSC). Also called: Tuberous Sclerosis Complex; Tuberous sclerosis. Identifiers: Orphanet 805, MedGen C0041341, MONDO:0001734.
Tuberous sclerosis 2 (TSC2). Identifiers: Orphanet 805, MedGen C1860707, MONDO:0013199, OMIM 613254.
Hereditary cancer-predisposing syndrome. Also called: Tumor predisposition; Hereditary Cancer Syndrome; Hereditary neoplastic syndrome; Neoplastic Syndromes, Hereditary. Identifiers: Orphanet 140162, MedGen C0027672, MeSH D009386, MONDO:0015356.

Allele frequency attached by ClinVar (database versions not stated): gnomAD exomes 0.00001; ExAC 0.00002; gnomAD 0.00002; TOPMed 0.00002.
gnomAD v4.1: 17 of 1,612,834 alleles (0.0011%); highest among the groups gnomAD compares: East Asian, 0.0022%; no homozygotes.

Submissions (7):

Labcorp Genetics (formerly Invitae), Labcorp
Classification: Likely benign for Tuberous sclerosis 2. Last evaluated: 2025-10-11. Review status: criteria provided, single submitter. Criteria: Invitae Variant Classification Sherloc (09022015). Collection method: clinical testing. Allele origin: germline.

Myriad Genetics, Inc.
Classification: Benign for Tuberous sclerosis 2. Last evaluated: 2025-05-29. Review status: criteria provided, single submitter. Criteria: Myriad Autosomal Dominant, Autosomal Recessive and X-Linked Classification Criteria (2023). Collection method: clinical testing. Allele origin: unknown.
Comment: This variant is considered benign. This variant is a silent/synonymous amino acid change and it is not expected to impact splicing.

Color Diagnostics, LLC DBA Color Health
Classification: Likely benign for Tuberous sclerosis syndrome. Last evaluated: 2022-10-02. Review status: criteria provided, single submitter. Criteria: ACMG Guidelines, 2015. Collection method: clinical testing. Allele origin: germline.

Genome-Nilou Lab
Classification: Benign for Tuberous sclerosis 2. Last evaluated: 2021-11-07. Review status: criteria provided, single submitter. Criteria: ACMG Guidelines, 2015. Collection method: clinical testing. Allele origin: germline. Affected: no.

Sema4
Classification: Likely benign for Hereditary cancer-predisposing syndrome. Last evaluated: 2021-01-01. Review status: criteria provided, single submitter. Criteria: Sema4 Curation Guidelines. Collection method: curation. Allele origin: germline.

Ambry Genetics
Classification: Likely benign for Hereditary cancer-predisposing syndrome. Last evaluated: 2018-06-08. Review status: criteria provided, single submitter. Criteria: Ambry Variant Classification Scheme 2023. Collection method: clinical testing. Allele origin: germline.

GeneDx
Classification: Likely benign. Last evaluated: 2017-10-26. Review status: criteria provided, single submitter. Criteria: GeneDx Variant Classification (06012015). Collection method: clinical testing. Allele origin: germline. Affected: yes.
Comment: This variant is considered likely benign or benign based on one or more of the following criteria: it is a conservative change, it occurs at a poorly conserved position in the protein, it is predicted to be benign by multiple in silico algorithms, and/or has population frequency not consistent with disease.